The following is an entry in ClinVar:

NM_138694.4(PKHD1):c.4614C>T (p.Cys1538=)

Genes: PKHD1 (PKHD1 ciliary IPT domain containing fibrocystin/polyductin; minus strand), LOC126859690 (MED14-independent group 3 enhancer GRCh37_chr6:51888848-51890047; plus strand). Cytogenetic location: 6p12.2.
Variant type: single nucleotide variant.
Coding change: c.4614C>T on transcript NM_138694.4 (MANE Select); coding-DNA position 4614, C replaced by T.
Protein change: p.Cys1538=; no amino-acid change (cysteine 1538 retained).
Molecular consequence: synonymous variant.
Genome position (GRCh38, 1-based): chr6:52,025,196, G>A on the plus strand (C>T on the coding strand, the complement: PKHD1 is on the minus strand). VCF-style: chr6-52025196-G-A. GRCh37 (hg19) VCF-style: chr6-51889994-G-A.
Other names: c.4614C>T, p.Cys1538= (NM_170724.3); c.4614C>T (NM_138694.3).
Identifiers: ClinVar variation 2775760 (VCV002775760.4), dbSNP rs1801959557, ClinGen allele CA450614321.

ClinVar aggregate classification (germline): Likely benign. Review status: criteria provided, multiple submitters, no conflicts (2 of 4 stars). 2 submissions from 2 submitters: Likely benign (2). Last evaluated 2026-02-03.

Conditions:
Autosomal recessive polycystic kidney disease (ARPKD). Also called: AR polycystic kidney disease. Identifiers: Orphanet 731, Orphanet 8378, MedGen C0085548, MeSH D017044, MONDO:0009889.
PKHD1-related disorder. Also called: PKHD1-related condition.

Allele frequency attached by ClinVar (database versions not stated): gnomAD exomes below 0.00001; TOPMed below 0.00001.
gnomAD v4.1: 1 of 1,614,108 alleles (0.000062%); highest among the groups gnomAD compares: Non-Finnish European, 0.000085%; no homozygotes.

Submissions (2):

PreventionGenetics, part of Exact Sciences
Classification: Likely benign for PKHD1-related condition. Last evaluated: 2026-02-03. Review status: criteria provided, single submitter. Criteria: ACMG Guidelines, 2015. Collection method: clinical testing. Allele origin: germline.
Comment: This variant is classified as likely benign based on ACMG/AMP sequence variant interpretation guidelines (Richards et al. 2015 PMID: 25741868, with internal and published modifications).

Labcorp Genetics (formerly Invitae), Labcorp
Classification: Likely benign for Autosomal recessive polycystic kidney disease. Last evaluated: 2023-05-26. Review status: criteria provided, single submitter. Criteria: Invitae Variant Classification Sherloc (09022015). Collection method: clinical testing. Allele origin: germline.